The following is an entry in ClinVar:

ClinVar aggregate classification (germline): Uncertain significance (1 of 4 stars; one submission).

Conditions:
Hereditary breast ovarian cancer syndrome. Also called: Hereditary breast and ovarian cancer syndrome (HBOC); Hereditary breast and ovarian cancer syndrome; Breast and ovarian cancer; Hereditary breast and/or ovarian cancer syndrome; Hereditary breast and ovarian cancer; BRCA1- and BRCA2-Associated Hereditary Breast and Ovarian Cancer. Identifiers: Orphanet 145, MedGen C0677776, MeSH D061325, MONDO:0003582. Disease mechanism: loss of function.

Submission:

Labcorp Genetics (formerly Invitae), Labcorp
Classification: Uncertain significance for Hereditary breast ovarian cancer syndrome. Last evaluated: 2017-07-30. Review status: criteria provided, single submitter. Criteria: Invitae Variant Classification Sherloc (09022015). Collection method: clinical testing. Allele origin: germline.
Comment: Experimental studies and prediction algorithms are not available for this variant, and the functional significance of the duplicated amino acids is currently unknown. In summary, the available evidence is currently insufficient to determine the role of this variant in disease. Therefore, it has been classified as a Variant of Uncertain Significance. This variant has not been reported in the literature in individuals with BRCA1-related disease. This variant is a gross duplication of the genomic region encompassing exons 3-23 of the BRCA1 gene. The 5' boundary is likely confined to intron 2. The 3' end of this event is unknown as it extends beyond the assayed region for this gene and therefore may encompass additional genes. The exact location of this variant in the genome is unknown.

NC_000017.10:g.(?_41197689)_(41267802_?)dup

Genes: BRCA1 (BRCA1 DNA repair associated; minus strand), LOC126862571 (BRD4-independent group 4 enhancer GRCh37_chr17:41243136-41244335; plus strand). Cytogenetic location: 17q21.31.
Variant type: Duplication.
Identifiers: ClinVar variation 462176 (VCV000462176.4).